The following is an entry in ClinVar:

NM_020831.6(MRTFA):c.1436C>T (p.Ala479Val)

Gene: MRTFA (myocardin related transcription factor A; minus strand). Cytogenetic location: 22q13.1.
Variant type: single nucleotide variant.
Coding change: c.1436C>T on transcript NM_020831.6 (MANE Select); coding-DNA position 1436, C replaced by T.
Protein change: p.Ala479Val; replaces alanine 479 with valine.
Molecular consequence: missense variant.
Genome position (GRCh38, 1-based): chr22:40,419,302, G>A on the plus strand (C>T on the coding strand, the complement: MRTFA is on the minus strand). VCF-style: chr22-40419302-G-A. GRCh37 (hg19) VCF-style: chr22-40815306-G-A.
Other names: c.1136C>T, p.Ala379Val (NM_001282660.2); c.1286C>T, p.Ala429Val (NM_001282661.3); c.1436C>T, p.Ala479Val (NM_001282662.3); c.1241C>T, p.Ala414Val (NM_001318139.2); short protein forms A379V, A414V, A429V, A479V.
Identifiers: ClinVar variation 2743311 (VCV002743311.4), dbSNP rs375153992, ClinGen allele CA324468646.
Genomic context (GRCh38, chr22:40,419,302, plus strand): 5'-ATAGAGGTGGCGGCAGGGGCCTTGGGGGCTCCTGGCACAGGGCTGATTTGGTCTTGATAG[G>A]CTCGAAGGCGCTCAATCAGCTCAGTTTTGGTGCCCGAGACAGGCAGTGATCGCAACTTCA-3'
Protein context (NP_065882.2, residues 469-489): TKTELIERLR[Ala479Val]YQDQISPVPG

ClinVar aggregate classification (germline): Uncertain significance. Review status: criteria provided, multiple submitters, no conflicts (2 of 4 stars). 2 submissions from 2 submitters: Uncertain significance (2). Last evaluated 2025-12-09.

gnomAD v4.1: 51 of 1,613,874 alleles (0.0032%); highest among the groups gnomAD compares: Non-Finnish European, 0.0042%; no homozygotes.

Submissions (2):

Labcorp Genetics (formerly Invitae), Labcorp
Classification: Uncertain significance. Last evaluated: 2025-12-09. Review status: criteria provided, single submitter. Criteria: Invitae Variant Classification Sherloc (09022015). Collection method: clinical testing. Allele origin: germline.
Comment: This sequence change replaces alanine, which is neutral and non-polar, with valine, which is neutral and non-polar, at codon 379 of the MKL1 protein (p.Ala379Val). This variant is present in population databases (no rsID available, gnomAD 0.01%). This variant has not been reported in the literature in individuals affected with MKL1-related conditions. ClinVar contains an entry for this variant (Variation ID: 2743311). An algorithm developed to predict the effect of missense changes on protein structure and function (PolyPhen-2) suggests that this variant is likely to be tolerated. In summary, the available evidence is currently insufficient to determine the role of this variant in disease. Therefore, it has been classified as a Variant of Uncertain Significance.

Blueprint Genetics
Classification: Uncertain significance. Last evaluated: 2020-07-17. Review status: criteria provided, single submitter. Criteria: ACMG Guidelines, 2015. Collection method: clinical testing. Allele origin: germline.